The following is an entry in ClinVar:

ClinVar aggregate classification (germline): Uncertain significance (1 of 4 stars; one submission).

gnomAD v4.1: 2 of 1,476,328 alleles (0.00014%); highest among the groups gnomAD compares: Non-Finnish European, 0.00018%; no homozygotes.

Submission:

Labcorp Genetics (formerly Invitae), Labcorp
Classification: Uncertain significance. Last evaluated: 2023-08-25. Review status: criteria provided, single submitter. Criteria: Invitae Variant Classification Sherloc (09022015). Collection method: clinical testing. Allele origin: germline.
Comment: In summary, the available evidence is currently insufficient to determine the role of this variant in disease. Therefore, it has been classified as a Variant of Uncertain Significance. This sequence change replaces arginine, which is basic and polar, with leucine, which is neutral and non-polar, at codon 338 of the CDK13 protein (p.Arg338Leu). This variant is present in population databases (no rsID available, gnomAD 0.01%). This variant has not been reported in the literature in individuals affected with CDK13-related conditions. Advanced modeling of protein sequence and biophysical properties (such as structural, functional, and spatial information, amino acid conservation, physicochemical variation, residue mobility, and thermodynamic stability) performed at Invitae indicates that this missense variant is not expected to disrupt CDK13 protein function.

NM_003718.5(CDK13):c.1013G>T (p.Arg338Leu)

Gene: CDK13 (cyclin dependent kinase 13; plus strand). Cytogenetic location: 7p14.1.
Variant type: single nucleotide variant.
Coding change: c.1013G>T on transcript NM_003718.5 (MANE Select); coding-DNA position 1013, G replaced by T.
Protein change: p.Arg338Leu; replaces arginine 338 with leucine.
Molecular consequence: missense variant.
Genome position (GRCh38, 1-based): chr7:39,951,654, G>T. VCF-style: chr7-39951654-G-T. GRCh37 (hg19) VCF-style: chr7-39991253-G-T.
Other names: c.1013G>T, p.Arg338Leu (NM_031267.4); short protein forms R338L.
Identifiers: ClinVar variation 2809186 (VCV002809186.3), dbSNP rs1435320548, ClinGen allele CA367311207.